The following is an entry in ClinVar:

NM_000277.3(PAH):c.184del (p.Asn61_Leu62insTer)

Gene: PAH (phenylalanine hydroxylase; minus strand). Cytogenetic location: 12q23.2.
Variant type: Deletion.
Coding change: c.184del on transcript NM_000277.3 (MANE Select); coding-DNA position 184, one base deleted (C; older notation c.184delC).
Protein change: p.Asn61_Leu62insTer.
Molecular consequence: nonsense.
Genome position (GRCh38, 1-based): chr12:102,894,903, G deleted on the plus strand (C on the coding strand, the reverse complement: PAH is on the minus strand); the first of 2 consecutive G bases (chr12:102,894,903-102,894,904); deleting either gives the same sequence. VCF-style (leftmost placement, unchanged base first): chr12-102894902-AG-A. GRCh37 (hg19) VCF-style: chr12-103288680-AG-A.
Other names: c.184del, p.Asn61_Leu62insTer (NM_001354304.2).
Identifiers: ClinVar variation 805812 (VCV000805812.1), dbSNP rs1592978992, ClinGen allele CA16020737.

ClinVar aggregate classification (germline): Pathogenic (3 of 4 stars; one submission).

Conditions:
Phenylketonuria (PKU). Also called: FOLLING DISEASE; Phenylketonuria (PKU); OLIGOPHRENIA PHENYLPYRUVICA; Phenylketonurias. Identifiers: Orphanet 716, MedGen C0031485, MONDO:0009861, OMIM 261600. Disease mechanism: loss of function.

Submission:

ClinGen PAH Variant Curation Expert Panel
Classification: Pathogenic for Phenylketonuria. Last evaluated: 2019-04-04. Review status: reviewed by expert panel. Criteria: ClinGen PAH ACMG Specifications v1. Collection method: curation. Allele origin: germline. Inheritance: Autosomal recessive inheritance.
Comment: Of note, the two papers share the primary authors, so it is unclear whether this represents one versus two distinct patients. The variant is a 1bp deletion leading to a nonsense variant which occurs in exon 3 of 13 in the in the canonical transcript of PAH, a gene fulfilling the most recent criteria for LOF being a known disease mechanism (see PMID: 30192042) (PVS1). It is absent from control databases including ethnically matched individuals, including gnomAD/ExAC, 1000 Genomes, and ESP (PM2). In summary, this variant meets criteria to be classified as pathogenic for PAH. PAH-specific ACMG/AMP criteria applied: PVS1, PM2, PM3, PP4.

Literature cited by the submitters: PubMed 18346471; PubMed 17096675.